The following is an entry in ClinVar:

NM_002473.6(MYH9):c.4044G>C (p.Glu1348Asp)

Gene: MYH9 (myosin heavy chain 9; minus strand). Cytogenetic location: 22q12.3.
Variant type: single nucleotide variant.
Coding change: c.4044G>C on transcript NM_002473.6 (MANE Select); coding-DNA position 4044, G replaced by C.
Protein change: p.Glu1348Asp; replaces glutamic acid 1348 with aspartic acid.
Molecular consequence: missense variant.
Genome position (GRCh38, 1-based): chr22:36,293,380, C>G on the plus strand (G>C on the coding strand, the complement: MYH9 is on the minus strand). VCF-style: chr22-36293380-C-G. GRCh37 (hg19) VCF-style: chr22-36689426-C-G.
Other names: short protein forms E1348D.
Identifiers: ClinVar variation 1308427 (VCV001308427.3), dbSNP rs2146336581, ClinGen allele CA411384566.

ClinVar aggregate classification (germline): Uncertain significance (1 of 4 stars; one submission).

Allele frequency attached by ClinVar (database versions not stated): gnomAD exomes below 0.00001.
gnomAD v4.1: 1 of 1,614,120 alleles (0.000062%); highest among the groups gnomAD compares: Middle Eastern, 0.016%; no homozygotes.

Submission:

GeneDx
Classification: Uncertain significance. Last evaluated: 2024-05-16. Review status: criteria provided, single submitter. Criteria: GeneDx Variant Classification Process June 2021. Collection method: clinical testing. Allele origin: germline. Affected: yes.
Comment: In silico analysis indicates that this missense variant does not alter protein structure/function; Not observed at significant frequency in large population cohorts (gnomAD); Has not been previously published as pathogenic or benign to our knowledge